The following is an entry in ClinVar:

ClinVar aggregate classification (germline): Uncertain significance. Review status: criteria provided, multiple submitters, no conflicts (2 of 4 stars). 4 submissions from 4 submitters: Uncertain significance (4). Last evaluated 2026-07-30.

Conditions:
Inborn genetic diseases. Identifiers: MedGen C0950123, MeSH D030342.
CLDN14-related disorder. Also called: CLDN14-related condition.

gnomAD v4.1: 154 of 1,613,680 alleles (0.0095%); highest among the groups gnomAD compares: Non-Finnish European, 0.011%; no homozygotes.

Submissions (4):

PreventionGenetics, part of Exact Sciences
Classification: Uncertain significance for CLDN14-related condition. Last evaluated: 2026-07-30. Review status: criteria provided, single submitter. Criteria: ACMG Guidelines, 2015. Collection method: clinical testing. Allele origin: germline.
Comment: The CLDN14 c.661C>T variant is predicted to result in the amino acid substitution p.Arg221Trp. To our knowledge, this variant has not been reported in the literature. This variant is reported in 0.0080% of alleles in individuals of African descent in gnomAD. At this time, the clinical significance of this variant is uncertain due to the absence of conclusive functional and genetic evidence.

Ambry Genetics
Classification: Uncertain significance for Inborn genetic diseases. Last evaluated: 2025-09-05. Review status: criteria provided, single submitter. Criteria: Ambry Variant Classification Scheme 2023. Collection method: clinical testing. Allele origin: germline.

Labcorp Genetics (formerly Invitae), Labcorp
Classification: Uncertain significance. Last evaluated: 2022-06-25. Review status: criteria provided, single submitter. Criteria: Invitae Variant Classification Sherloc (09022015). Collection method: clinical testing. Allele origin: germline.
Comment: This sequence change replaces arginine, which is basic and polar, with tryptophan, which is neutral and slightly polar, at codon 221 of the CLDN14 protein (p.Arg221Trp). This variant is present in population databases (rs548981290, gnomAD 0.009%). This variant has not been reported in the literature in individuals affected with CLDN14-related conditions. Algorithms developed to predict the effect of missense changes on protein structure and function are either unavailable or do not agree on the potential impact of this missense change (SIFT: "Deleterious"; PolyPhen-2: "Benign"; Align-GVGD: "Class C0"). In summary, the available evidence is currently insufficient to determine the role of this variant in disease. Therefore, it has been classified as a Variant of Uncertain Significance.

GeneDx
Classification: Uncertain significance. Last evaluated: 2022-04-12. Review status: criteria provided, single submitter. Criteria: GeneDx Variant Classification Process June 2021. Collection method: clinical testing. Allele origin: germline. Affected: yes.
Comment: In silico analysis supports that this missense variant does not alter protein structure/function; Has not been previously published as pathogenic or benign to our knowledge

NM_001146079.2(CLDN14):c.661C>T (p.Arg221Trp)

Genes: CLDN14-AS1 (CLDN14 antisense RNA 1; plus strand), CLDN14 (claudin 14; minus strand). Cytogenetic location: 21q22.13.
Variant type: single nucleotide variant.
Coding change: c.661C>T on transcript NM_001146079.2 (MANE Select); coding-DNA position 661, C replaced by T.
Protein change: p.Arg221Trp; replaces arginine 221 with tryptophan.
Molecular consequence: missense variant.
Genome position (GRCh38, 1-based): chr21:36,461,035, G>A on the plus strand (C>T on the coding strand, the complement: CLDN14 is on the minus strand). VCF-style: chr21-36461035-G-A. GRCh37 (hg19) VCF-style: chr21-37833333-G-A.
Other names: c.661C>T (NM_001146077.1); c.661C>T, p.Arg221Trp (NM_001146077.2, NM_001146078.3, NM_012130.4 and 1 more transcripts); short protein forms R221W.
Identifiers: ClinVar variation 1684101 (VCV001684101.6), dbSNP rs548981290, ClinGen allele CA10019209.